The following is an entry in ClinVar:

NM_000169.3(GLA):c.369+3G>A

Genes: RPL36A-HNRNPH2 (RPL36A-HNRNPH2 readthrough; plus strand), GLA (galactosidase alpha; minus strand). Cytogenetic location: Xq22.1.
Variant type: single nucleotide variant.
Coding change: c.369+3G>A on transcript NM_000169.3 (MANE Select); 3 bases into the intron after coding-DNA position 369, G replaced by A.
Molecular consequence: intron variant.
Genome position (GRCh38, 1-based): chrX:101,403,808, C>T on the plus strand (G>A on the coding strand, the complement: GLA is on the minus strand). VCF-style: chrX-101403808-C-T. GRCh37 (hg19) VCF-style: chrX-100658796-C-T.
Other names: c.301-8128C>T (NM_001199973.2); c.178-8128C>T (NM_001199974.2); c.492+3G>A (NM_001406747.1, NM_001406749.1); c.369+3G>A (NM_001406748.1).
Identifiers: ClinVar variation 520251 (VCV000520251.13), dbSNP rs1333591942, ClinGen allele CA658799818.

ClinVar aggregate classification (germline): Uncertain significance. Review status: criteria provided, multiple submitters, no conflicts (2 of 4 stars). 4 submissions from 4 submitters: Uncertain significance (4). Last evaluated 2026-09-08.

Conditions:
Cardiovascular phenotype. Identifiers: MedGen CN230736.
Fabry disease. Also called: ALPHA-GALACTOSIDASE A DEFICIENCY; ANDERSON-FABRY DISEASE; Angiokeratoma corporis diffusum; Fabry's disease; Ceramide trihexosidosis; GLA DEFICIENCY. Identifiers: Orphanet 324, MedGen C0002986, MONDO:0010526, OMIM 301500, HP:0001071. Disease mechanism: loss of function, Fabry disease is due to inactivating mutations in the X-linked GLA gene resulting in deficiency of the enzyme Alpha Galactosidase-A..

Submissions (4):

Genomenon, Inc
Classification: Uncertain significance for Fabry disease. Last evaluated: 2026-09-08. Review status: criteria provided, single submitter. Criteria: Genomenon Sequence Variant Interpretation Standards - Updated. Collection method: curation. Allele origin: germline. Affected: no.
Comment: GLA c.369+3G>A is an intronic variant located in the donor splice region of intron 2. This variant has been reported in the published literature (PMID:39336803). It is absent or not present at a significant frequency in gnomAD. In silico models predict that this variant is not damaging. In conclusion, we classify GLA c.369+3G>A as a variant of uncertain significance.

Ambry Genetics
Classification: Uncertain significance for Cardiovascular phenotype. Last evaluated: 2026-08-21. Review status: criteria provided, single submitter. Criteria: Ambry Variant Classification Scheme 2023. Collection method: clinical testing. Allele origin: germline.
Comment: The c.369+3G>A intronic variant results from a G to A substitution 3 nucleotides after coding exon 2 in the GLA gene. This nucleotide position is well conserved in available vertebrate species. In silico splice site analysis predicts that this alteration will not have any significant effect on splicing. Based on the available evidence, the clinical significance of this variant remains unclear.

Labcorp Genetics (formerly Invitae), Labcorp
Classification: Uncertain significance for Fabry disease. Last evaluated: 2023-11-09. Review status: criteria provided, single submitter. Criteria: Invitae Variant Classification Sherloc (09022015). Collection method: clinical testing. Allele origin: germline.
Comment: This sequence change falls in intron 2 of the GLA gene. It does not directly change the encoded amino acid sequence of the GLA protein. It affects a nucleotide within the consensus splice site. This variant is not present in population databases (gnomAD no frequency). This variant has not been reported in the literature in individuals affected with GLA-related conditions. ClinVar contains an entry for this variant (Variation ID: 520251). Variants that disrupt the consensus splice site are a relatively common cause of aberrant splicing (PMID: 17576681, 9536098). Algorithms developed to predict the effect of sequence changes on RNA splicing suggest that this variant is not likely to affect RNA splicing. In summary, the available evidence is currently insufficient to determine the role of this variant in disease. Therefore, it has been classified as a Variant of Uncertain Significance.

All of Us Research Program, National Institutes of Health
Classification: Uncertain significance for Fabry disease. Last evaluated: 2023-09-04. Review status: criteria provided, single submitter. Criteria: ACMG Guidelines, 2015. Collection method: clinical testing. Allele origin: germline. Inheritance: X-linked inheritance. Observed: 1 variant allele, 1 heterozygote.
Comment: This variant causes a G to A nucleotide substitution at the +3 position of intron 2 of the GLA gene. To our knowledge, functional studies have not been reported for this variant. This variant has not been reported in individuals affected with GLA-related disorders in the literature. This variant has not been identified in the general population by the Genome Aggregation Database (gnomAD). The available evidence is insufficient to determine the role of this variant in disease conclusively. Therefore, this variant is classified as a Variant of Uncertain Significance.

This study involves interpretation of variants in research participants for the purpose of population health screening. Participant phenotype was not available at the time of variant classification. Additional details can be found in publication PMID: 35346344, PMCID: PMC8962531

Literature cited by the submitters: PubMed 39336803 (cited by Genomenon, Inc); PubMed 17576681 (cited by Labcorp Genetics (formerly Invitae), Labcorp); PubMed 9536098 (cited by Labcorp Genetics (formerly Invitae), Labcorp).